The following is an entry in ClinVar:

ClinVar aggregate classification (germline): Uncertain significance. Review status: criteria provided, multiple submitters, no conflicts (2 of 4 stars). 2 submissions from 2 submitters: Uncertain significance (2). Last evaluated 2024-06-25.

Conditions:
Inborn genetic diseases. Identifiers: MedGen C0950123, MeSH D030342.

Allele frequency attached by ClinVar (database versions not stated): ExAC 0.00001; gnomAD exomes 0.00001; TOPMed 0.00001; gnomAD 0.00003.
gnomAD v4.1: 19 of 1,613,730 alleles (0.0012%); highest among the groups gnomAD compares: Admixed American, 0.0067%; no homozygotes.

Submissions (2):

Labcorp Genetics (formerly Invitae), Labcorp
Classification: Uncertain significance. Last evaluated: 2024-06-25. Review status: criteria provided, single submitter. Criteria: Invitae Variant Classification Sherloc (09022015). Collection method: clinical testing. Allele origin: germline.
Comment: This sequence change replaces arginine, which is basic and polar, with cysteine, which is neutral and slightly polar, at codon 3145 of the HSPG2 protein (p.Arg3145Cys). This variant is present in population databases (rs768370330, gnomAD 0.006%). This variant has not been reported in the literature in individuals affected with HSPG2-related conditions. ClinVar contains an entry for this variant (Variation ID: 2315023). An algorithm developed to predict the effect of missense changes on protein structure and function (PolyPhen-2) suggests that this variant is likely to be disruptive. In summary, the available evidence is currently insufficient to determine the role of this variant in disease. Therefore, it has been classified as a Variant of Uncertain Significance.

Ambry Genetics
Classification: Uncertain significance for Inborn genetic diseases. Last evaluated: 2022-10-03. Review status: criteria provided, single submitter. Criteria: Ambry Variant Classification Scheme 2023. Collection method: clinical testing. Allele origin: germline.

NM_005529.7(HSPG2):c.9433C>T (p.Arg3145Cys)

Gene: HSPG2 (heparan sulfate proteoglycan 2; minus strand). Cytogenetic location: 1p36.12.
Variant type: single nucleotide variant.
Coding change: c.9433C>T on transcript NM_005529.7 (MANE Select); coding-DNA position 9433, C replaced by T.
Protein change: p.Arg3145Cys; replaces arginine 3145 with cysteine.
Molecular consequence: missense variant.
Genome position (GRCh38, 1-based): chr1:21,841,181, G>A on the plus strand (C>T on the coding strand, the complement: HSPG2 is on the minus strand). VCF-style: chr1-21841181-G-A. GRCh37 (hg19) VCF-style: chr1-22167674-G-A.
Other names: c.9436C>T, p.Arg3146Cys (NM_001291860.2); short protein forms R3145C, R3146C.
Identifiers: ClinVar variation 2315023 (VCV002315023.3), dbSNP rs768370330, ClinGen allele CA670448.